The following is an entry in ClinVar:

ClinVar aggregate classification (germline): Uncertain significance (1 of 4 stars; one submission).

Conditions:
Myofibrillar myopathy 5. Also called: Filaminopathy (type); FILAMINOPATHY, AUTOSOMAL DOMINANT. Identifiers: Orphanet 171445, MedGen C1836050, MONDO:0012289, OMIM 609524.
Distal myopathy with posterior leg and anterior hand involvement. Also called: WILLIAMS DISTAL MYOPATHY. Identifiers: Orphanet 63273, MedGen C3279722, MONDO:0013550, OMIM 614065.
Hypertrophic cardiomyopathy 26. Also called: Cardiomyopathy, familial hypertrophic, 26. Identifiers: Orphanet 75249, MedGen C4310749, MONDO:0014883, OMIM 617047.

Submission:

Labcorp Genetics (formerly Invitae), Labcorp
Classification: Uncertain significance for Distal myopathy with posterior leg and anterior hand involvement; Myofibrillar myopathy 5; Hypertrophic cardiomyopathy 26. Last evaluated: 2023-08-27. Review status: criteria provided, single submitter. Criteria: Invitae Variant Classification Sherloc (09022015). Collection method: clinical testing. Allele origin: germline.
Comment: In summary, the available evidence is currently insufficient to determine the role of this variant in disease. Therefore, it has been classified as a Variant of Uncertain Significance. Algorithms developed to predict the effect of sequence changes on RNA splicing suggest that this variant may disrupt the consensus splice site. This variant has not been reported in the literature in individuals affected with FLNC-related conditions. This variant is not present in population databases (gnomAD no frequency). This sequence change falls in intron 18 of the FLNC gene. It does not directly change the encoded amino acid sequence of the FLNC protein.

NM_001458.5(FLNC):c.2812-8C>G

Gene: FLNC (filamin C; plus strand). Cytogenetic location: 7q32.1.
Variant type: single nucleotide variant.
Coding change: c.2812-8C>G on transcript NM_001458.5 (MANE Select); 8 bases into the intron before coding-DNA position 2812, C replaced by G.
Molecular consequence: intron variant.
Genome position (GRCh38, 1-based): chr7:128,843,788, C>G. VCF-style: chr7-128843788-C-G. GRCh37 (hg19) VCF-style: chr7-128483842-C-G.
Other names: c.2812-8C>G (NM_001127487.2).
Identifiers: ClinVar variation 2951328 (VCV002951328.3), dbSNP rs748651461, ClinGen allele CA2740097567.